The following is an entry in ClinVar:

ClinVar aggregate classification (germline): Pathogenic. Review status: reviewed by expert panel (3 of 4 stars). 2 submissions from 2 submitters: Pathogenic (1). 1 of the submissions does not count toward it. Last evaluated 2016-10-18.

Conditions:
Breast-ovarian cancer, familial, susceptibility to, 1 (BROVCA1). Also called: BRCA1 Hereditary Breast and Ovarian Cancer; OVARIAN CANCER, SUSCEPTIBILITY TO. Identifiers: Orphanet 145, MedGen C2676676, MONDO:0011450, OMIM 604370. Disease mechanism: loss of function.

Submissions (2):

Evidence-based Network for the Interpretation of Germline Mutant Alleles (ENIGMA)
Classification: Pathogenic for Breast-ovarian cancer, familial, susceptibility to, 1. Last evaluated: 2016-10-18. Review status: reviewed by expert panel. Criteria: ENIGMA BRCA1/2 Classification Criteria (2015). Collection method: curation. Allele origin: germline.
Comment: Variant allele predicted to encode a truncated non-functional protein.

Consortium of Investigators of Modifiers of BRCA1/2 (CIMBA), c/o University of Cambridge
Classification: Pathogenic for Breast-ovarian cancer, familial, susceptibility to, 1. Last evaluated: 2015-10-02. Review status: criteria provided, single submitter. Criteria: CIMBA Mutation Classification guidelines May 2016. Collection method: clinical testing. Allele origin: germline. Not counted in ClinVar's aggregate classification.

NM_007294.4(BRCA1):c.2850dup (p.Arg951Ter)

Gene: BRCA1 (BRCA1 DNA repair associated; minus strand). Cytogenetic location: 17q21.31.
Variant type: Duplication.
Coding change: c.2850dup on transcript NM_007294.4 (MANE Select); coding-DNA position 2850, one base duplicated (T; older notation c.2850dupT).
Protein change: p.Arg951Ter; replaces arginine 951 with a stop codon.
Molecular consequence: nonsense. On other transcripts: intron variant (137).
Genome position (GRCh38, 1-based): chr17:43,092,681, A duplicated on the plus strand (T on the coding strand, the reverse complement: BRCA1 is on the minus strand). VCF-style (leftmost placement, unchanged base first): chr17-43092680-T-TA. GRCh37 (hg19) VCF-style: chr17-41244697-T-TA.
Other names: 2968insT-ter951; c.2637dup, p.Arg880Ter (NM_001407571.1, NM_001407853.1, NM_001407894.1 and 9 more transcripts); c.2850dup, p.Arg951Ter (NM_001407581.1, NM_001407582.1, NM_001407583.1 and 30 more transcripts); c.2847dup, p.Arg950Ter (NM_001407587.1, NM_001407590.1, NM_001407591.1 and 22 more transcripts); c.2841dup, p.Arg948Ter (NM_001407646.1, NM_001407647.1); c.2727dup, p.Arg910Ter (NM_001407648.1, NM_001407664.1, NM_001407665.1 and 19 more transcripts); c.2724dup, p.Arg909Ter (NM_001407649.1, NM_001407670.1, NM_001407671.1 and 11 more transcripts); c.2772dup, p.Arg925Ter (NM_001407653.1, NM_001407654.1, NM_001407655.1 and 4 more transcripts); and 42 more; short protein forms R904*, R951*, R783*, R824*, R903*, R948*, R655*, R839*.
Identifiers: ClinVar variation 266309 (VCV000266309.6), dbSNP rs1555588846, ClinGen allele CA10589808.